The following is an entry in ClinVar:

ClinVar aggregate classification (germline): Uncertain significance (1 of 4 stars; one submission).

Conditions:
Gorlin syndrome. Also called: Basal cell nevus syndrome; Nevoid Basal Cell Carcinoma Syndrome. Identifiers: Orphanet 377, MedGen C0004779, MONDO:0007187.

Submission:

Labcorp Genetics (formerly Invitae), Labcorp
Classification: Uncertain significance for Gorlin syndrome. Last evaluated: 2021-04-14. Review status: criteria provided, single submitter. Criteria: Invitae Variant Classification Sherloc (09022015). Collection method: clinical testing. Allele origin: germline.
Comment: In summary, the available evidence is currently insufficient to determine the role of this variant in disease. Therefore, it has been classified as a Variant of Uncertain Significance. Advanced modeling of protein sequence and biophysical properties (such as structural, functional, and spatial information, amino acid conservation, physicochemical variation, residue mobility, and thermodynamic stability) performed at Invitae indicates that this missense variant is not expected to disrupt PTCH1 protein function. This variant has not been reported in the literature in individuals with PTCH1-related conditions. The frequency data for this variant in the population databases is considered unreliable, as metrics indicate insufficient coverage at this position in the ExAC database. This sequence change replaces serine with alanine at codon 3 of the PTCH1 protein (p.Ser3Ala). The serine residue is weakly conserved and there is a moderate physicochemical difference between serine and alanine.

NM_000264.5(PTCH1):c.7T>G (p.Ser3Ala)

Genes: PTCH1 (patched 1; minus strand), LOC130002133 (ATAC-STARR-seq lymphoblastoid silent region 20071; plus strand). Cytogenetic location: 9q22.32.
Variant type: single nucleotide variant.
Coding change: c.7T>G on transcript NM_000264.5 (MANE Select); coding-DNA position 7, T replaced by G.
Protein change: p.Ser3Ala; replaces serine 3 with alanine.
Molecular consequence: missense variant. On other transcripts: non-coding transcript variant (1), intron variant (3).
Genome position (GRCh38, 1-based): chr9:95,508,355, A>C on the plus strand (T>G on the coding strand, the complement: PTCH1 is on the minus strand). VCF-style: chr9-95508355-A-C. GRCh37 (hg19) VCF-style: chr9-98270637-A-C.
Other names: c.7T>G, p.Ser3Ala (NM_001354918.2); c.199-1756T>G (NM_001083603.3); c.4-1756T>G (NM_001083602.3, NM_001354919.2); short protein forms S3A.
Identifiers: ClinVar variation 1345243 (VCV001345243.8), dbSNP rs2118910766, ClinGen allele CA374121778.